The following is an entry in ClinVar:

NM_002439.5(MSH3):c.2026C>T (p.Pro676Ser)

Gene: MSH3 (mutS homolog 3; plus strand). Cytogenetic location: 5q14.1.
Variant type: single nucleotide variant.
Coding change: c.2026C>T on transcript NM_002439.5 (MANE Select); coding-DNA position 2026, C replaced by T.
Protein change: p.Pro676Ser; replaces proline 676 with serine.
Molecular consequence: missense variant.
Genome position (GRCh38, 1-based): chr5:80,768,062, C>T. VCF-style: chr5-80768062-C-T. GRCh37 (hg19) VCF-style: chr5-80063881-C-T.
Other names: c.2026C>T (NM_002439.3); short protein forms P676S.
Identifiers: ClinVar variation 846249 (VCV000846249.12), dbSNP rs1744153840, ClinGen allele CA360277800.
Genomic context (GRCh38, chr5:80,768,062, plus strand): 5'-ATACCTGCTGTTAATTCCCACATTCAGTCAGACTTGCTCCGGACCGTTATTTTAGAAATT[C>T]CTGAACTCCTCAGTCCAGTGGAGCATTACTTAAAGATACTCAATGAACAAGCTGCCAAGT-3'
Protein context (NP_002430.3, residues 666-686): DLLRTVILEI[Pro676Ser]ELLSPVEHYL

ClinVar aggregate classification (germline): Uncertain significance. Review status: criteria provided, multiple submitters, no conflicts (2 of 4 stars). 2 submissions from 2 submitters: Uncertain significance (2). Last evaluated 2025-10-27.

Conditions:
Hereditary cancer-predisposing syndrome. Also called: Tumor predisposition; Hereditary neoplastic syndrome; Neoplastic Syndromes, Hereditary; Hereditary Cancer Syndrome. Identifiers: Orphanet 140162, MedGen C0027672, MeSH D009386, MONDO:0015356.

gnomAD v4.1: 3 of 1,613,734 alleles (0.00019%); highest among the groups gnomAD compares: Non-Finnish European, 0.00025%; no homozygotes.

Submissions (2):

Labcorp Genetics (formerly Invitae), Labcorp
Classification: Uncertain significance. Last evaluated: 2025-10-27. Review status: criteria provided, single submitter. Criteria: Invitae Variant Classification Sherloc (09022015). Collection method: clinical testing. Allele origin: germline.
Comment: This sequence change replaces proline, which is neutral and non-polar, with serine, which is neutral and polar, at codon 676 of the MSH3 protein (p.Pro676Ser). This variant is not present in population databases (gnomAD no frequency). This variant has not been reported in the literature in individuals affected with MSH3-related conditions. ClinVar contains an entry for this variant (Variation ID: 846249). An algorithm developed to predict the effect of missense changes on protein structure and function (PolyPhen-2) suggests that this variant is likely to be disruptive. In summary, the available evidence is currently insufficient to determine the role of this variant in disease. Therefore, it has been classified as a Variant of Uncertain Significance.

Ambry Genetics
Classification: Uncertain significance for Hereditary cancer-predisposing syndrome. Last evaluated: 2025-10-16. Review status: criteria provided, single submitter. Criteria: Ambry Variant Classification Scheme 2023. Collection method: clinical testing. Allele origin: germline.
Comment: The p.P676S variant (also known as c.2026C>T), located in coding exon 14 of the MSH3 gene, results from a C to T substitution at nucleotide position 2026. The proline at codon 676 is replaced by serine, an amino acid with similar properties. This amino acid position is conserved. In addition, the in silico prediction for this alteration is inconclusive. Since supporting evidence is limited at this time, the clinical significance of this alteration remains unclear.